The following is an entry in ClinVar:

NM_001042681.2(RERE):c.3140T>A (p.Ile1047Asn)

Gene: RERE (arginine-glutamic acid dipeptide repeats; minus strand). Cytogenetic location: 1p36.23.
Variant type: single nucleotide variant.
Coding change: c.3140T>A on transcript NM_001042681.2 (MANE Select); coding-DNA position 3140, T replaced by A.
Protein change: p.Ile1047Asn; replaces isoleucine 1047 with asparagine.
Molecular consequence: missense variant.
Genome position (GRCh38, 1-based): chr1:8,360,367, A>T on the plus strand (T>A on the coding strand, the complement: RERE is on the minus strand). VCF-style: chr1-8360367-A-T. GRCh37 (hg19) VCF-style: chr1-8420427-A-T.
Other names: c.1478T>A, p.Ile493Asn (NM_001042682.2); c.3140T>A, p.Ile1047Asn (NM_012102.4); short protein forms I1047N, I493N.
Identifiers: ClinVar variation 3350411 (VCV003350411.2).

ClinVar aggregate classification (germline): Likely benign. Review status: criteria provided, single submitter (1 of 4 stars). 2 submissions from 2 submitters: Likely benign (1). 1 of the submissions does not count toward it. Last evaluated 2024-11-06.

Conditions:
RERE-related disorder. Also called: RERE-related condition; RERE-Related Disorders. Identifiers: MedGen CN381537.

gnomAD v4.1: 1,120 of 1,262,118 alleles (0.089%); highest among the groups gnomAD compares: Non-Finnish European, 0.11%; no homozygotes.

Submissions (2):

Blueprint Genetics
Classification: Likely benign. Last evaluated: 2024-11-06. Review status: criteria provided, single submitter. Criteria: ACMG Guidelines, 2015. Collection method: clinical testing. Allele origin: germline.

PreventionGenetics, part of Exact Sciences
Classification: Likely benign for RERE-related condition. Last evaluated: 2024-05-21. Review status: no assertion criteria provided. Collection method: clinical testing. Allele origin: germline. Not counted in ClinVar's aggregate classification.
Comment: This variant is classified as likely benign based on ACMG/AMP sequence variant interpretation guidelines (Richards et al. 2015 PMID: 25741868, with internal and published modifications).